The following is an entry in ClinVar:

ClinVar aggregate classification (germline): Uncertain significance (1 of 4 stars; one submission).

Allele frequency attached by ClinVar (database versions not stated): TOPMed 0.00005; gnomAD exomes 0.00010; gnomAD 0.00019; ExAC 0.00021; 1000 Genomes Project 0.00180; 1000 Genomes Project 30x 0.00234.
gnomAD v4.1: 185 of 1,613,942 alleles (0.011%); highest among the groups gnomAD compares: East Asian, 0.091%; no homozygotes.

Submission:

Labcorp Genetics (formerly Invitae), Labcorp
Classification: Uncertain significance. Last evaluated: 2025-07-11. Review status: criteria provided, single submitter. Criteria: Invitae Variant Classification Sherloc (09022015). Collection method: clinical testing. Allele origin: germline.
Comment: This sequence change replaces arginine, which is basic and polar, with cysteine, which is neutral and slightly polar, at codon 1113 of the ZNF687 protein (p.Arg1113Cys). This variant is present in population databases (rs191061324, gnomAD 0.1%), and has an allele count higher than expected for a pathogenic variant. This variant has not been reported in the literature in individuals affected with ZNF687-related conditions. ClinVar contains an entry for this variant (Variation ID: 2081575). An algorithm developed to predict the effect of missense changes on protein structure and function (PolyPhen-2) suggests that this variant is likely to be disruptive. In summary, the available evidence is currently insufficient to determine the role of this variant in disease. Therefore, it has been classified as a Variant of Uncertain Significance.

NM_020832.3(ZNF687):c.3337C>T (p.Arg1113Cys)

Gene: ZNF687 (zinc finger protein 687; plus strand). Cytogenetic location: 1q21.3.
Variant type: single nucleotide variant.
Coding change: c.3337C>T on transcript NM_020832.3 (MANE Select); coding-DNA position 3337, C replaced by T.
Protein change: p.Arg1113Cys; replaces arginine 1113 with cysteine.
Molecular consequence: missense variant.
Genome position (GRCh38, 1-based): chr1:151,290,832, C>T. VCF-style: chr1-151290832-C-T. GRCh37 (hg19) VCF-style: chr1-151263308-C-T.
Other names: c.3337C>T, p.Arg1113Cys (NM_001304763.2, NM_001304764.2); short protein forms R1113C.
Identifiers: ClinVar variation 2081575 (VCV002081575.4), dbSNP rs191061324, ClinGen allele CA1088847.
Genomic context (GRCh38, chr1:151,290,832, plus strand): 5'-ACGACACCGCCAGCCAAGTCCCCCAGGGGCGGACCTGGATCTGGAGGCCATGGCCCTCTG[C>T]GCTACCGGAGCAGCAGCTCCACAGAACAGAGCCTCATGATGGGGTTGAGGGTGGAGGATG-3'
Protein context (NP_065883.1, residues 1103-1123): GPGSGGHGPL[Arg1113Cys]YRSSSSTEQS